The following is an entry in ClinVar:

ClinVar aggregate classification (germline): Uncertain significance (1 of 4 stars; one submission).

Conditions:
Inborn genetic diseases. Identifiers: MedGen C0950123, MeSH D030342.

Submission:

Ambry Genetics
Classification: Uncertain significance for Inborn genetic diseases. Last evaluated: 2025-08-02. Review status: criteria provided, single submitter. Criteria: Ambry Variant Classification Scheme 2023. Collection method: clinical testing. Allele origin: germline.
Comment: The p.N76T variant (also known as c.227A>C), located in coding exon 3 of the ELANE gene, results from an A to C substitution at nucleotide position 227. The asparagine at codon 76 is replaced by threonine, an amino acid with similar properties. This amino acid position is conserved. In addition, the in silico prediction for this alteration is inconclusive. Based on the available evidence, the clinical significance of this variant remains unclear.

NM_001972.4(ELANE):c.227A>C (p.Asn76Thr)

Gene: ELANE (elastase, neutrophil expressed; plus strand). Cytogenetic location: 19p13.3.
Variant type: single nucleotide variant.
Coding change: c.227A>C on transcript NM_001972.4 (MANE Select); coding-DNA position 227, A replaced by C.
Protein change: p.Asn76Thr; replaces asparagine 76 with threonine.
Molecular consequence: missense variant.
Genome position (GRCh38, 1-based): chr19:853,264, A>C. VCF-style: chr19-853264-A-C. GRCh37 (hg19) VCF-style: chr19-853264-A-C.
Other names: short protein forms N76T.
Identifiers: ClinVar variation 4248075 (VCV004248075.1).